The following is an entry in ClinVar:

NM_001127208.3(TET2):c.4182+4A>G

Genes: TET2 (tet methylcytosine dioxygenase 2; plus strand), TET2-AS1 (TET2 antisense RNA 1; minus strand). Cytogenetic location: 4q24.
Variant type: single nucleotide variant.
Coding change: c.4182+4A>G on transcript NM_001127208.3 (MANE Select); 4 bases into the intron after coding-DNA position 4182, A replaced by G.
Molecular consequence: intron variant.
Genome position (GRCh38, 1-based): chr4:105,269,751, A>G. VCF-style: chr4-105269751-A-G. GRCh37 (hg19) VCF-style: chr4-106190908-A-G.
Identifiers: ClinVar variation 4699593 (VCV004699593.1).
Genomic context (GRCh38, chr4:105,269,751, plus strand): 5'-GACTTCTGTGCTCATGCCCACAGAGACTTGCACAACATGCAGAATGGCAGCACATTGGTA[A>G]GTTGGGCTGAGGACAGCTTAGCAGCTGTTGAGTCTGTTCTCACACTGCTAATAAAGACAT-3'

ClinVar aggregate classification (germline): Uncertain significance (1 of 4 stars; one submission).

gnomAD v4.1: 3 of 1,551,454 alleles (0.00019%); highest among the groups gnomAD compares: Middle Eastern, 0.017%; no homozygotes.

Submission:

Labcorp Genetics (formerly Invitae), Labcorp
Classification: Uncertain significance. Last evaluated: 2025-03-12. Review status: criteria provided, single submitter. Criteria: Invitae Variant Classification Sherloc (09022015). Collection method: clinical testing. Allele origin: germline.
Comment: This sequence change falls in intron 9 of the TET2 gene. It does not directly change the encoded amino acid sequence of the TET2 protein. It affects a nucleotide within the consensus splice site. This variant is not present in population databases (gnomAD no frequency). This variant has not been reported in the literature in individuals affected with TET2-related conditions. Variants that disrupt the consensus splice site are a relatively common cause of aberrant splicing (PMID: 17576681, 9536098). Algorithms developed to predict the effect of sequence changes on RNA splicing suggest that this variant is not likely to affect RNA splicing. In summary, the available evidence is currently insufficient to determine the role of this variant in disease. Therefore, it has been classified as a Variant of Uncertain Significance.

Literature cited by the submitters: PubMed 17576681; PubMed 9536098.